The following is an entry in ClinVar:

NM_000138.5(FBN1):c.3006T>A (p.Pro1002=)

Gene: FBN1 (fibrillin 1; minus strand). Cytogenetic location: 15q21.1.
Variant type: single nucleotide variant.
Coding change: c.3006T>A on transcript NM_000138.5 (MANE Select); coding-DNA position 3006, T replaced by A.
Protein change: p.Pro1002=; no amino-acid change (proline 1002 retained).
Molecular consequence: synonymous variant.
Genome position (GRCh38, 1-based): chr15:48,489,927, A>T on the plus strand (T>A on the coding strand, the complement: FBN1 is on the minus strand). VCF-style: chr15-48489927-A-T. GRCh37 (hg19) VCF-style: chr15-48782124-A-T.
Other names: c.3006T>A, p.Pro1002= (NM_001406716.1).
Identifiers: ClinVar variation 3069992 (VCV003069992.1), dbSNP rs2141297191, ClinGen allele CA490308204.

ClinVar aggregate classification (germline): Likely benign (1 of 4 stars; one submission).

Conditions:
Marfan syndrome (MFS). Also called: MARFAN SYNDROME, TYPE I; Marfan syndrome type 1; Marfan's syndrome; Marfan syndrome, classic; FBN1-Related Marfan Syndrome. Identifiers: Orphanet 284963, Orphanet 558, MedGen C0024796, MONDO:0007947, OMIM 154700.

Submission:

All of Us Research Program, National Institutes of Health
Classification: Likely benign for Marfan syndrome. Last evaluated: 2023-03-23. Review status: criteria provided, single submitter. Criteria: ACMG Guidelines, 2015. Collection method: clinical testing. Allele origin: germline. Inheritance: Autosomal dominant inheritance. Observed: 1 variant allele, 1 heterozygote.
Comment: This study involves interpretation of variants in research participants for the purpose of population health screening. Participant phenotype was not available at the time of variant classification. Additional details can be found in publication PMID: 35346344, PMCID: PMC8962531